The following is an entry in ClinVar:

NM_058216.3(RAD51C):c.405-8G>C

Gene: RAD51C (RAD51 paralog C; plus strand). Cytogenetic location: 17q22.
Variant type: single nucleotide variant.
Coding change: c.405-8G>C on transcript NM_058216.3 (MANE Select); 8 bases into the intron before coding-DNA position 405, G replaced by C.
Molecular consequence: intron variant.
Genome position (GRCh38, 1-based): chr17:58,696,685, G>C. VCF-style: chr17-58696685-G-C. GRCh37 (hg19) VCF-style: chr17-56774046-G-C.
Identifiers: ClinVar variation 3904313 (VCV003904313.1).

ClinVar aggregate classification (germline): Likely benign (1 of 4 stars; one submission).

Conditions:
Breast-ovarian cancer, familial, susceptibility to, 3. Also called: RAD51C-Related Breast/Ovarian Cancer. Identifiers: Orphanet 145, MedGen C3150659, MONDO:0013253, OMIM 613399.

Submission:

Myriad Genetics, Inc.
Classification: Likely benign for Breast-ovarian cancer, familial, susceptibility to, 3. Last evaluated: 2025-02-18. Review status: criteria provided, single submitter. Criteria: Myriad Autosomal Dominant, Autosomal Recessive and X-Linked Classification Criteria (2023). Collection method: clinical testing. Allele origin: unknown.
Comment: This variant is considered likely benign. This variant is intronic and is not expected to impact mRNA splicing.